The following is an entry in ClinVar:

NM_001134407.3(GRIN2A):c.3919C>T (p.Pro1307Ser)

Gene: GRIN2A (glutamate ionotropic receptor NMDA type subunit 2A; minus strand). Cytogenetic location: 16p13.2.
Variant type: single nucleotide variant.
Coding change: c.3919C>T on transcript NM_001134407.3 (MANE Select); coding-DNA position 3919, C replaced by T.
Protein change: p.Pro1307Ser; replaces proline 1307 with serine.
Molecular consequence: missense variant. On other transcripts: intron variant (1).
Genome position (GRCh38, 1-based): chr16:9,763,625, G>A on the plus strand (C>T on the coding strand, the complement: GRIN2A is on the minus strand). VCF-style: chr16-9763625-G-A. GRCh37 (hg19) VCF-style: chr16-9857482-G-A.
Other names: c.3919C>T, p.Pro1307Ser (NM_000833.5); c.3772+147C>T (NM_001134408.2); short protein forms P1307S.
Identifiers: ClinVar variation 668692 (VCV000668692.8), dbSNP rs148827608, ClinGen allele CA7896234.
Genomic context (GRCh38, chr16:9,763,625, plus strand): 5'-TGCCGTAAAAATTTCCCTCCAGAAGCCGTTCCCTGTCCTTGAGGCTTATGCTCCGGGAGG[G>A]CCTGCTAAGGTCTAGCTCCCTAGGTTTGTCGACAATGTTATCGTAGGAATGCTGACGGCT-3'
Protein context (NP_001127879.1, residues 1297-1317): DKPRELDLSR[Pro1307Ser]SRSISLKDRE

ClinVar aggregate classification (germline): Conflicting classifications of pathogenicity. Review status: criteria provided, conflicting classifications (1 of 4 stars). 3 submissions from 3 submitters: Uncertain significance (1); Likely benign (2). Last evaluated 2025-03-20.

Conditions:
Inborn genetic diseases. Identifiers: MedGen C0950123, MeSH D030342.
Landau-Kleffner syndrome (FESD). Also called: EPILEPSY, FOCAL, WITH SPEECH DISORDER AND WITH OR WITHOUT MENTAL RETARDATION; APHASIA, ACQUIRED, WITH EPILEPSY. Identifiers: Orphanet 1945, Orphanet 725, Orphanet 98818, MedGen C0282512, MONDO:0009509, OMIM 245570.

Allele frequency attached by ClinVar (database versions not stated): gnomAD 0.00004 and 0.00005; TOPMed 0.00004; ESP Exome Variant Server 0.00008; gnomAD exomes 0.00008; ExAC 0.00008.
gnomAD v4.1: 51 of 1,613,122 alleles (0.0032%); highest among the groups gnomAD compares: Admixed American, 0.0017%; no homozygotes.

Submissions (3):

Labcorp Genetics (formerly Invitae), Labcorp
Classification: Likely benign for Landau-Kleffner syndrome. Last evaluated: 2025-03-20. Review status: criteria provided, single submitter. Criteria: Invitae Variant Classification Sherloc (09022015). Collection method: clinical testing. Allele origin: germline.

Ambry Genetics
Classification: Uncertain significance for Inborn genetic diseases. Last evaluated: 2018-09-13. Review status: criteria provided, single submitter. Criteria: Ambry Variant Classification Scheme 2023. Collection method: clinical testing. Allele origin: germline.
Comment: The p.P1307S variant (also known as c.3919C>T), located in coding exon 12 of the GRIN2A gene, results from a C to T substitution at nucleotide position 3919. The proline at codon 1307 is replaced by serine, an amino acid with similar properties. This amino acid position is highly conserved in available vertebrate species. In addition, this alteration is predicted to be tolerated by in silico analysis. Since supporting evidence is limited at this time, the clinical significance of this alteration remains unclear.

GeneDx
Classification: Likely benign. Last evaluated: 2018-05-23. Review status: criteria provided, single submitter. Criteria: GeneDx Variant Classification (06012015). Collection method: clinical testing. Allele origin: germline. Affected: yes.
Comment: This variant is considered likely benign or benign based on one or more of the following criteria: it is a conservative change, it occurs at a poorly conserved position in the protein, it is predicted to be benign by multiple in silico algorithms, and/or has population frequency not consistent with disease.